The following is an entry in ClinVar:

ClinVar aggregate classification (germline): Pathogenic (1 of 4 stars; one submission).

Conditions:
Hereditary cancer-predisposing syndrome. Also called: Hereditary neoplastic syndrome; Hereditary Cancer Syndrome; Neoplastic Syndromes, Hereditary; Tumor predisposition. Identifiers: Orphanet 140162, MedGen C0027672, MeSH D009386, MONDO:0015356.

Submission:

Ambry Genetics
Classification: Pathogenic for Hereditary cancer-predisposing syndrome. Last evaluated: 2023-03-30. Review status: criteria provided, single submitter. Criteria: Ambry Variant Classification Scheme 2023. Collection method: clinical testing. Allele origin: germline.
Comment: The c.1255dupA pathogenic mutation, located in coding exon 6 of the BLM gene, results from a duplication of A at nucleotide position 1255, causing a translational frameshift with a predicted alternate stop codon (p.S419Kfs*2). This variant is considered to be rare based on population cohorts in the Genome Aggregation Database (gnomAD). This alteration is expected to result in loss of function by premature protein truncation or nonsense-mediated mRNA decay. As such, this alteration is interpreted as a disease-causing mutation.

NM_000057.4(BLM):c.1255dup (p.Ser419fs)

Gene: BLM (BLM RecQ like helicase; plus strand). Cytogenetic location: 15q26.1.
Variant type: Duplication.
Coding change: c.1255dup on transcript NM_000057.4 (MANE Select); coding-DNA position 1255, one base duplicated (A; older notation c.1255dupA).
Protein change: p.Ser419fs; shifts the reading frame from serine 419.
Molecular consequence: frameshift variant.
Genome position (GRCh38, 1-based): chr15:90,760,628, A duplicated; the last of 4 consecutive A bases (chr15:90,760,625-90,760,628); duplicating any one gives the same sequence. VCF-style (leftmost placement, unchanged base first): chr15-90760624-T-TA. GRCh37 (hg19) VCF-style: chr15-91303854-T-TA.
Other names: c.1255dup, p.Ser419fs (NM_001287246.2, NM_001287247.2); c.130dup, p.Ser44fs (NM_001287248.2); c.1255dupA (NM_000057.2); short protein forms S44fs, S419fs.
Identifiers: ClinVar variation 2566800 (VCV002566800.2), dbSNP rs1895946786, ClinGen allele CA2580613317.